The following is an entry in ClinVar:

NM_024422.6(DSC2):c.-6C>T

Genes: DSCAS (DSC1/DSC2 antisense RNA; plus strand), DSC2 (desmocollin 2; minus strand). Cytogenetic location: 18q12.1.
Variant type: single nucleotide variant.
Coding change: c.-6C>T on transcript NM_024422.6 (MANE Select); 6 bases upstream of the start codon, C replaced by T.
Molecular consequence: 5 prime UTR variant.
Genome position (GRCh38, 1-based): chr18:31,101,977, G>A on the plus strand (C>T on the coding strand, the complement: DSC2 is on the minus strand). VCF-style: chr18-31101977-G-A. GRCh37 (hg19) VCF-style: chr18-28681940-G-A.
Other names: c.-6C>T (NM_004949.5).
Identifiers: ClinVar variation 923854 (VCV000923854.3), dbSNP rs1987979751, ClinGen allele CA913189070.

ClinVar aggregate classification (germline): Uncertain significance (1 of 4 stars; one submission).

Conditions:
Cardiomyopathy (CMYO). Also called: Cardiomyopathies. Identifiers: Orphanet 167848, MedGen C0878544, MONDO:0004994, HP:0001638. Inheritance: Various modes of inheritance.

gnomAD v4.1: 1 of 1,517,030 alleles (0.000066%); highest among the groups gnomAD compares: Middle Eastern, 0.02%; no homozygotes.

Submission:

Color Diagnostics, LLC DBA Color Health
Classification: Uncertain significance for Cardiomyopathy. Last evaluated: 2019-02-04. Review status: criteria provided, single submitter. Criteria: ACMG Guidelines, 2015. Collection method: clinical testing. Allele origin: germline.
Comment: Variant of Uncertain Significance due to insufficient evidence: This variant is located in the 5' untranslated region of the DSC2 gene. To our knowledge, functional assays have not been performed for this variant. Computational splicing tools suggest that this variant may not impact RNA splicing. This variant has not been reported in individuals affected with cardiovascular disorders in the literature. This variant is rare in the general population and has been identified in 0/277264 chromosomes by the Genome Aggregation Database (gnomAD). Available evidence is insufficient to determine the role of this variant in disease conclusively.